The following is an entry in ClinVar:

ClinVar aggregate classification (germline): Conflicting classifications of pathogenicity. Review status: criteria provided, conflicting classifications (1 of 4 stars). 3 submissions from 3 submitters: Likely pathogenic (1); Uncertain significance (2). Last evaluated 2023-05-30.

Conditions:
RYR1-related disorder. Also called: RYR1-related condition; RYR1-related disorders. Identifiers: MedGen CN239331.
Malignant hyperthermia, susceptibility to, 1 (MHS1). Also called: Malignant hyperthermia suceptibility 1; Anesthesia related hyperthermia; Malignant hyperpyrexia; Fulminating hyperpyrexia; Pharmacogenic myopathy; RYR1-Related Malignant Hyperthermia Susceptibility. Identifiers: Orphanet 423, MedGen C2930980, MONDO:0007783, OMIM 145600.
Congenital multicore myopathy with external ophthalmoplegia (CMYO1B). Also called: Congenital myopathy 1B, autosomal recessive; Minicore myopathy; MULTIMINICORE DISEASE WITH EXTERNAL OPHTHALMOPLEGIA; MULTICORE MYOPATHY; Minicore myopathy with external ophthalmoplegia. Identifiers: Orphanet 598, Orphanet 98905, MedGen C1850674, MONDO:0009712, OMIM 255320, HP:0003789.

Allele frequency attached by ClinVar (database versions not stated): gnomAD exomes below 0.00001.
gnomAD v4.1: 7 of 1,614,114 alleles (0.00043%); highest among the groups gnomAD compares: Non-Finnish European, 0.00042%; no homozygotes.

Submissions (3):

All of Us Research Program, National Institutes of Health
Classification: Uncertain significance for Malignant hyperthermia, susceptibility to, 1. Last evaluated: 2023-05-30. Review status: criteria provided, single submitter. Criteria: ACMG Guidelines, 2015. Collection method: clinical testing. Allele origin: germline. Inheritance: Autosomal dominant inheritance. Observed: 1 variant allele, 1 heterozygote.
Comment: This missense variant replaces isoleucine with valine at codon 3674 of the RYR1 protein. Computational prediction suggests that this variant may not impact protein structure and function (internally defined REVEL score threshold <= 0.5, PMID: 27666373). Splice site prediction tools suggest that this variant may impact RNA splicing. To our knowledge, functional studies have not been reported for this variant. This variant has not been reported in individuals affected with RYR1-related disorders in the literature. This variant has been identified in 1/251426 chromosomes in the general population by the Genome Aggregation Database (gnomAD). The available evidence is insufficient to determine the role of this variant in disease conclusively. Therefore, this variant is classified as a Variant of Uncertain Significance.

This study involves interpretation of variants in research participants for the purpose of population health screening. Participant phenotype was not available at the time of variant classification. Additional details can be found in publication PMID: 35346344, PMCID: PMC8962531

Labcorp Genetics (formerly Invitae), Labcorp
Classification: Uncertain significance for RYR1-related disorder. Last evaluated: 2022-06-27. Review status: criteria provided, single submitter. Criteria: Invitae Variant Classification Sherloc (09022015). Collection method: clinical testing. Allele origin: germline.
Comment: In summary, the available evidence is currently insufficient to determine the role of this variant in disease. Therefore, it has been classified as a Variant of Uncertain Significance. Algorithms developed to predict the effect of sequence changes on RNA splicing suggest that this variant may create or strengthen a splice site. Advanced modeling of protein sequence and biophysical properties (such as structural, functional, and spatial information, amino acid conservation, physicochemical variation, residue mobility, and thermodynamic stability) performed at Invitae indicates that this missense variant is not expected to disrupt RYR1 protein function. ClinVar contains an entry for this variant (Variation ID: 1063889). This variant has not been reported in the literature in individuals affected with RYR1-related conditions. This variant is present in population databases (no rsID available, gnomAD 0.0009%). This sequence change replaces isoleucine, which is neutral and non-polar, with valine, which is neutral and non-polar, at codon 3674 of the RYR1 protein (p.Ile3674Val).

Harry Perkins Institute Of Medical Research, University Of Western Australia
Classification: Likely pathogenic for Congenital multicore myopathy with external ophthalmoplegia. Review status: criteria provided, single submitter. Criteria: ACMG Guidelines, 2015. Collection method: research, in vitro. Allele origin: maternal, not applicable. Inheritance: Autosomal recessive inheritance. Affected: yes. Observed: 2 variant alleles, 2 compound heterozygotes. Clinical features observed: congenital myopathy, ophthalmoplegia. Functional consequence: splicing variant.
Comment: PS3, PM2, PP1, PP3. This missense variant is predicted to create a new donor gain (spliceAI: 0.86), 1 bp upstream of the variant site in exon 75 of RYR1. Splicing at this site would remove the remaining 15 bp of exon 75. These splicing predictions were confirmed by RT-PCR using patient muscle cDNA. Ultimately, this would result in an in-frame deletion that removes 5 amino acids (aa) within the cytoplasmic domain of RYR1. Variant identified in trans in both two affected siblings with previously published likely pathogenic variant in RYR1: c.3291C>T (PMID: 28424332)

Literature cited by the submitters: PubMed 28424332 (cited by Harry Perkins Institute Of Medical Research, University Of Western Australia).

NM_000540.3(RYR1):c.11020A>G (p.Ile3674Val)

Gene: RYR1 (ryanodine receptor 1; plus strand). Cytogenetic location: 19q13.2.
Variant type: single nucleotide variant.
Coding change: c.11020A>G on transcript NM_000540.3 (MANE Select); coding-DNA position 11020, A replaced by G.
Protein change: p.Ile3674Val; replaces isoleucine 3674 with valine.
Molecular consequence: missense variant.
Genome position (GRCh38, 1-based): chr19:38,528,681, A>G. VCF-style: chr19-38528681-A-G. GRCh37 (hg19) VCF-style: chr19-39019321-A-G.
Other names: c.11005A>G, p.Ile3669Val (NM_001042723.2); short protein forms I3669V, I3674V.
Identifiers: ClinVar variation 1063889 (VCV001063889.9), dbSNP rs1184741729, ClinGen allele CA080138.
Genomic context (GRCh38, chr19:38,528,681, plus strand): 5'-CTGGAGAGCTACAAGGCTGCATGGATCCTGACTGAAGACCACAGTTTTGAGGACCGCATG[A>G]TAGATGACCTTTCAGTGAGCTGGGACCCGCCTGGGGGAGTGGGGGGCGAGCTGGATAGGG-3'
Protein context (NP_000531.2, residues 3664-3684): TEDHSFEDRM[Ile3674Val]DDLSKAGEQE